The following is an entry in ClinVar:

ClinVar aggregate classification (germline): Uncertain significance. Review status: criteria provided, multiple submitters, no conflicts (2 of 4 stars). 3 submissions from 3 submitters: Uncertain significance (3). Last evaluated 2026-04-23.

Conditions:
Hereditary cancer-predisposing syndrome. Also called: Hereditary Cancer Syndrome; Neoplastic Syndromes, Hereditary; Tumor predisposition; Hereditary neoplastic syndrome. Identifiers: Orphanet 140162, MedGen C0027672, MeSH D009386, MONDO:0015356.
Tuberous sclerosis 2 (TSC2). Identifiers: Orphanet 805, MedGen C1860707, MONDO:0013199, OMIM 613254.

Allele frequency attached by ClinVar (database versions not stated): TOPMed 0.00001.
gnomAD v4.1: 1 of 1,612,732 alleles (0.000062%); no homozygotes.

Submissions (3):

Ambry Genetics
Classification: Uncertain significance for Hereditary cancer-predisposing syndrome. Last evaluated: 2026-04-23. Review status: criteria provided, single submitter. Criteria: Ambry Variant Classification Scheme 2023. Collection method: clinical testing. Allele origin: germline.

Dasa
Classification: Uncertain significance for Tuberous sclerosis 2. Last evaluated: 2025-11-07. Review status: criteria provided, single submitter. Criteria: DASA Assertion Criteria. Collection method: clinical testing. Allele origin: germline.
Comment: NM_000548.5(TSC2):c.4124C>G (p.Ser1375Cys) is a missense variant that results in the substitution of serine with cysteine. This variant is rare in population databases. The currently available literature and clinical evidence are not sufficient to establish a definitive association between this variant and the reported condition. Therefore, this variant is classified as a variant of uncertain significance.

Labcorp Genetics (formerly Invitae), Labcorp
Classification: Uncertain significance for Tuberous sclerosis 2. Last evaluated: 2025-10-08. Review status: criteria provided, single submitter. Criteria: Invitae Variant Classification Sherloc (09022015). Collection method: clinical testing. Allele origin: germline.
Comment: This sequence change replaces serine, which is neutral and polar, with cysteine, which is neutral and slightly polar, at codon 1375 of the TSC2 protein (p.Ser1375Cys). This variant is not present in population databases (gnomAD no frequency). This variant has not been reported in the literature in individuals affected with TSC2-related conditions. ClinVar contains an entry for this variant (Variation ID: 824610). Invitae Evidence Modeling of protein sequence and biophysical properties (such as structural, functional, and spatial information, amino acid conservation, physicochemical variation, residue mobility, and thermodynamic stability) indicates that this missense variant is not expected to disrupt TSC2 protein function with a negative predictive value of 95%. In summary, the available evidence is currently insufficient to determine the role of this variant in disease. Therefore, it has been classified as a Variant of Uncertain Significance.

NM_000548.5(TSC2):c.4124C>G (p.Ser1375Cys)

Gene: TSC2 (TSC complex subunit 2; plus strand). Cytogenetic location: 16p13.3.
Variant type: single nucleotide variant.
Coding change: c.4124C>G on transcript NM_000548.5 (MANE Select); coding-DNA position 4124, C replaced by G.
Protein change: p.Ser1375Cys; replaces serine 1375 with cysteine.
Molecular consequence: missense variant.
Genome position (GRCh38, 1-based): chr16:2,084,346, C>G. VCF-style: chr16-2084346-C-G. GRCh37 (hg19) VCF-style: chr16-2134347-C-G.
Other names: c.3923C>G, p.Ser1308Cys (NM_001077183.3); c.4055C>G, p.Ser1352Cys (NM_001114382.3); c.3815C>G, p.Ser1272Cys (NM_001318827.2); c.3779C>G, p.Ser1260Cys (NM_001318829.2); c.3392C>G, p.Ser1131Cys (NM_001318831.2); c.3956C>G, p.Ser1319Cys (NM_001318832.2); c.3926C>G, p.Ser1309Cys (NM_001363528.2); c.3992C>G, p.Ser1331Cys (NM_001370404.1); and 1 more; short protein forms S1260C, S1319C, S1131C, S1309C, S1331C, S1332C, S1352C, S1375C.
Identifiers: ClinVar variation 824610 (VCV000824610.16), dbSNP rs145476528, ClinGen allele CA394299569.
Genomic context (GRCh38, chr16:2,084,346, plus strand): 5'-GGGGCATCCCCATCGAGCGAGTCGTCTCCTCGGAGGGTGGCCGGCCCTCTGTGGACCTCT[C>G]CTTCCAGCCCTCGCAGCCCCTGAGCAAGTCCAGCTCCTCTCCCGAGCTGCAGACTCTGCA-3'
Protein context (NP_000539.2, residues 1365-1385): SEGGRPSVDL[Ser1375Cys]FQPSQPLSKS